The following is an entry in ClinVar:

NM_001042492.3(NF1):c.553G>A (p.Val185Met)

Gene: NF1 (neurofibromin 1; plus strand). Cytogenetic location: 17q11.2.
Variant type: single nucleotide variant.
Coding change: c.553G>A on transcript NM_001042492.3 (MANE Select); coding-DNA position 553, G replaced by A.
Protein change: p.Val185Met; replaces valine 185 with methionine.
Molecular consequence: missense variant.
Genome position (GRCh38, 1-based): chr17:31,169,964, G>A. VCF-style: chr17-31169964-G-A. GRCh37 (hg19) VCF-style: chr17-29496982-G-A.
Other names: c.553G>A, p.Val185Met (NM_000267.4, NM_001128147.3); short protein forms V185M.
Identifiers: ClinVar variation 2839244 (VCV002839244.3), dbSNP rs2143707840, ClinGen allele CA398985260.

ClinVar aggregate classification (germline): Uncertain significance (1 of 4 stars; one submission).

Conditions:
Neurofibromatosis, type 1 (NF1). Also called: Neurofibromatosis, type I; VON RECKLINGHAUSEN DISEASE; NEUROFIBROMATOSIS, TYPE I, SOMATIC; Peripheral type neurofibromatosis. Identifiers: Orphanet 636, MedGen C0027831, MONDO:0018975, OMIM 162200. Disease mechanism: loss of function.

Allele frequency attached by ClinVar (database versions not stated): gnomAD exomes below 0.00001.
gnomAD v4.1: 1 of 1,604,714 alleles (0.000062%); highest among the groups gnomAD compares: Non-Finnish European, 0.000085%; no homozygotes.

Submission:

Labcorp Genetics (formerly Invitae), Labcorp
Classification: Uncertain significance for Neurofibromatosis, type 1. Last evaluated: 2025-09-02. Review status: criteria provided, single submitter. Criteria: Invitae Variant Classification Sherloc (09022015). Collection method: clinical testing. Allele origin: germline.
Comment: This sequence change replaces valine, which is neutral and non-polar, with methionine, which is neutral and non-polar, at codon 185 of the NF1 protein (p.Val185Met). This variant is not present in population databases (gnomAD no frequency). This variant has not been reported in the literature in individuals affected with NF1-related conditions. ClinVar contains an entry for this variant (Variation ID: 2839244). Invitae Evidence Modeling of protein sequence and biophysical properties (such as structural, functional, and spatial information, amino acid conservation, physicochemical variation, residue mobility, and thermodynamic stability) indicates that this missense variant is expected to disrupt NF1 protein function with a positive predictive value of 95%. In summary, the available evidence is currently insufficient to determine the role of this variant in disease. Therefore, it has been classified as a Variant of Uncertain Significance.